The following is an entry in ClinVar:

ClinVar aggregate classification (germline): Likely benign. Review status: criteria provided, multiple submitters, no conflicts (2 of 4 stars). 2 submissions from 2 submitters: Likely benign (2). Last evaluated 2017-04-27.

Conditions:
Intellectual developmental disorder, X-linked 93. Also called: MENTAL RETARDATION, X-LINKED, WITH MACROCEPHALY; Intellectual disability, X-linked 93. Identifiers: MedGen C1970841, MONDO:0010393, OMIM 300659.

Allele frequency attached by ClinVar (database versions not stated): gnomAD 0.01938 and 0.01967; 1000 Genomes Project 0.01007.

Submissions (2):

Illumina Laboratory Services, Illumina
Classification: Likely benign for Intellectual developmental disorder, X-linked 93. Last evaluated: 2017-04-27. Review status: criteria provided, single submitter. Criteria: ICSL Variant Classification Criteria 13 December 2019. Collection method: clinical testing. Allele origin: germline.
Comment: This variant was observed as part of a predisposition screen in an ostensibly healthy population. A literature search was performed for the gene, cDNA change, and amino acid change (where applicable). No publications were found based on this search. Allele frequency data from public databases allowed determination this variant is unlikely to cause disease. Therefore, this variant is classified as likely benign.

Breakthrough Genomics
Classification: Likely benign. Review status: criteria provided, single submitter. Criteria: ACMG Guidelines, 2015. Collection method: not provided. Allele origin: germline. Inheritance: X-linked inheritance. Affected: yes.

NM_153252.5(BRWD3):c.*4194C>A

Gene: BRWD3 (bromodomain and WD repeat domain containing 3; minus strand). Cytogenetic location: Xq21.1.
Variant type: single nucleotide variant.
Coding change: c.*4194C>A on transcript NM_153252.5 (MANE Select); 4194 bases downstream of the stop codon, C replaced by A.
Molecular consequence: 3 prime UTR variant.
Genome position (GRCh38, 1-based): chrX:80,672,415, G>T on the plus strand (C>A on the coding strand, the complement: BRWD3 is on the minus strand). VCF-style: chrX-80672415-G-T. GRCh37 (hg19) VCF-style: chrX-79927914-G-T.
Identifiers: ClinVar variation 368699 (VCV000368699.6), dbSNP rs189047883, ClinGen allele CA10646406.